The following is an entry in ClinVar:

NM_133444.3(ZNF526):c.274C>G (p.Gln92Glu)

Gene: ZNF526 (zinc finger protein 526; plus strand). Cytogenetic location: 19q13.2.
Variant type: single nucleotide variant.
Coding change: c.274C>G on transcript NM_133444.3 (MANE Select); coding-DNA position 274, C replaced by G.
Protein change: p.Gln92Glu; replaces glutamine 92 with glutamic acid.
Molecular consequence: missense variant.
Genome position (GRCh38, 1-based): chr19:42,224,677, C>G. VCF-style: chr19-42224677-C-G. GRCh37 (hg19) VCF-style: chr19-42728829-C-G.
Other names: c.274C>G, p.Gln92Glu (NM_001314033.3); short protein forms Q92E.
Identifiers: ClinVar variation 3893385 (VCV003893385.1).

ClinVar aggregate classification (germline): Uncertain significance (1 of 4 stars; one submission).

gnomAD v4.1: 7 of 1,614,196 alleles (0.00043%); highest among the groups gnomAD compares: African/African-American, 0.0093%; no homozygotes.

Submission:

GeneDx
Classification: Uncertain significance. Last evaluated: 2024-10-24. Review status: criteria provided, single submitter. Criteria: GeneDx Variant Classification Process June 2021. Collection method: clinical testing. Allele origin: germline. Affected: yes.
Comment: In silico analysis indicates that this missense variant does not alter protein structure/function; Has not been previously published as pathogenic or benign to our knowledge